The following is an entry in ClinVar:

ClinVar aggregate classification (germline): Uncertain significance (1 of 4 stars; one submission).

Allele frequency attached by ClinVar (database versions not stated): TOPMed 0.00001.

Submission:

Labcorp Genetics (formerly Invitae), Labcorp
Classification: Uncertain significance. Last evaluated: 2022-11-14. Review status: criteria provided, single submitter. Criteria: Invitae Variant Classification Sherloc (09022015). Collection method: clinical testing. Allele origin: germline.
Comment: This sequence change replaces glutamic acid, which is acidic and polar, with glutamine, which is neutral and polar, at codon 463 of the THBD protein (p.Glu463Gln). This variant is not present in population databases (gnomAD no frequency). This variant has not been reported in the literature in individuals affected with THBD-related conditions. Advanced modeling of protein sequence and biophysical properties (such as structural, functional, and spatial information, amino acid conservation, physicochemical variation, residue mobility, and thermodynamic stability) performed at Invitae indicates that this missense variant is not expected to disrupt THBD protein function. In summary, the available evidence is currently insufficient to determine the role of this variant in disease. Therefore, it has been classified as a Variant of Uncertain Significance.

NM_000361.3(THBD):c.1387G>C (p.Glu463Gln)

Gene: THBD (thrombomodulin; minus strand). Cytogenetic location: 20p11.21.
Variant type: single nucleotide variant.
Coding change: c.1387G>C on transcript NM_000361.3 (MANE Select); coding-DNA position 1387, G replaced by C.
Protein change: p.Glu463Gln; replaces glutamic acid 463 with glutamine.
Molecular consequence: missense variant.
Genome position (GRCh38, 1-based): chr20:23,048,118, C>G on the plus strand (G>C on the coding strand, the complement: THBD is on the minus strand). VCF-style: chr20-23048118-C-G. GRCh37 (hg19) VCF-style: chr20-23028755-C-G.
Other names: short protein forms E463Q.
Identifiers: ClinVar variation 2870082 (VCV002870082.3), dbSNP rs879523775, ClinGen allele CA313550718.